The following is an entry in ClinVar:

ClinVar aggregate classification (germline): Uncertain significance (1 of 4 stars; one submission).

Submission:

Labcorp Genetics (formerly Invitae), Labcorp
Classification: Uncertain significance. Last evaluated: 2025-11-01. Review status: criteria provided, single submitter. Criteria: Invitae Variant Classification Sherloc (09022015). Collection method: clinical testing. Allele origin: germline.
Comment: This sequence change replaces alanine, which is neutral and non-polar, with valine, which is neutral and non-polar, at codon 344 of the ALB protein (p.Ala344Val). This variant is not present in population databases (gnomAD no frequency). This variant has not been reported in the literature in individuals affected with ALB-related conditions. Invitae Evidence Modeling of protein sequence and biophysical properties (such as structural, functional, and spatial information, amino acid conservation, physicochemical variation, residue mobility, and thermodynamic stability) indicates that this missense variant is not expected to disrupt ALB protein function with a negative predictive value of 80%. In summary, the available evidence is currently insufficient to determine the role of this variant in disease. Therefore, it has been classified as a Variant of Uncertain Significance.

NM_000477.7(ALB):c.1031C>T (p.Ala344Val)

Gene: ALB (albumin; plus strand). Cytogenetic location: 4q13.3.
Variant type: single nucleotide variant.
Coding change: c.1031C>T on transcript NM_000477.7 (MANE Select); coding-DNA position 1031, C replaced by T.
Protein change: p.Ala344Val; replaces alanine 344 with valine.
Molecular consequence: missense variant.
Genome position (GRCh38, 1-based): chr4:73,413,607, C>T. VCF-style: chr4-73413607-C-T. GRCh37 (hg19) VCF-style: chr4-74279324-C-T.
Other names: short protein forms A344V.
Identifiers: ClinVar variation 4747826 (VCV004747826.1).